The following is an entry in ClinVar:

NM_004304.5(ALK):c.4642G>A (p.Gly1548Arg)

Gene: ALK (ALK receptor tyrosine kinase; minus strand). Cytogenetic location: 2p23.2.
Variant type: single nucleotide variant.
Coding change: c.4642G>A on transcript NM_004304.5 (MANE Select); coding-DNA position 4642, G replaced by A.
Protein change: p.Gly1548Arg; replaces glycine 1548 with arginine.
Molecular consequence: missense variant.
Genome position (GRCh38, 1-based): chr2:29,193,445, C>T on the plus strand (G>A on the coding strand, the complement: ALK is on the minus strand). VCF-style: chr2-29193445-C-T. GRCh37 (hg19) VCF-style: chr2-29416311-C-T.
Other names: c.1438G>A, p.Gly480Arg (NM_001353765.2); short protein forms G1548R, G480R.
Identifiers: ClinVar variation 538259 (VCV000538259.9), dbSNP rs1215807713, ClinGen allele CA346460540.

ClinVar aggregate classification (germline): Uncertain significance. Review status: criteria provided, multiple submitters, no conflicts (2 of 4 stars). 2 submissions from 2 submitters: Uncertain significance (2). Last evaluated 2025-05-07.

Conditions:
Neuroblastoma, susceptibility to, 3. Also called: ALK-Related Neuroblastic Tumor Susceptibility. Identifiers: Orphanet 635, MedGen C2751681, MONDO:0013083, OMIM 613014.
Hereditary cancer-predisposing syndrome. Also called: Neoplastic Syndromes, Hereditary; Tumor predisposition; Hereditary Cancer Syndrome; Hereditary neoplastic syndrome. Identifiers: Orphanet 140162, MedGen C0027672, MeSH D009386, MONDO:0015356.

Allele frequency attached by ClinVar (database versions not stated): gnomAD exomes below 0.00001; TOPMed below 0.00001.
gnomAD v4.1: 5 of 1,614,212 alleles (0.00031%); highest among the groups gnomAD compares: South Asian, 0.0011%; no homozygotes.

Submissions (2):

Labcorp Genetics (formerly Invitae), Labcorp
Classification: Uncertain significance for Neuroblastoma, susceptibility to, 3. Last evaluated: 2025-05-07. Review status: criteria provided, single submitter. Criteria: Invitae Variant Classification Sherloc (09022015). Collection method: clinical testing. Allele origin: germline.
Comment: This sequence change replaces glycine, which is neutral and non-polar, with arginine, which is basic and polar, at codon 1548 of the ALK protein (p.Gly1548Arg). This variant is present in population databases (no rsID available, gnomAD 0.003%). This variant has not been reported in the literature in individuals affected with ALK-related conditions. ClinVar contains an entry for this variant (Variation ID: 538259). An algorithm developed to predict the effect of missense changes on protein structure and function outputs the following: PolyPhen-2: "Possibly Damaging". The arginine amino acid residue is found in multiple mammalian species, which suggests that this missense change does not adversely affect protein function. In summary, the available evidence is currently insufficient to determine the role of this variant in disease. Therefore, it has been classified as a Variant of Uncertain Significance.

Ambry Genetics
Classification: Uncertain significance for Hereditary cancer-predisposing syndrome. Last evaluated: 2022-10-04. Review status: criteria provided, single submitter. Criteria: Ambry Variant Classification Scheme 2023. Collection method: clinical testing. Allele origin: germline.
Comment: The p.G1548R variant (also known as c.4642G>A), located in coding exon 29 of the ALK gene, results from a G to A substitution at nucleotide position 4642. The glycine at codon 1548 is replaced by arginine, an amino acid with dissimilar properties. This amino acid position is conserved. In addition, this alteration is predicted to be tolerated by in silico analysis. Since supporting evidence is limited at this time, the clinical significance of this alteration remains unclear.